The following is an entry in ClinVar:

ClinVar aggregate classification (germline): Likely benign (0 of 4 stars; one submission).

Conditions:
MREG-related condition.

gnomAD v4.1: 2,839 of 1,612,122 alleles (0.18%); highest among the groups gnomAD compares: Middle Eastern, 0.26%; 5 homozygotes.

Submission:

PreventionGenetics, part of Exact Sciences
Classification: Likely benign for MREG-related condition. Last evaluated: 2024-08-02. Review status: no assertion criteria provided. Collection method: clinical testing. Allele origin: germline.
Comment: This variant is classified as likely benign based on ACMG/AMP sequence variant interpretation guidelines (Richards et al. 2015 PMID: 25741868, with internal and published modifications).

NM_018000.3(MREG):c.113C>T (p.Ser38Phe)

Gene: MREG (melanoregulin; minus strand). Cytogenetic location: 2q35.
Variant type: single nucleotide variant.
Coding change: c.113C>T on transcript NM_018000.3 (MANE Select); coding-DNA position 113, C replaced by T.
Protein change: p.Ser38Phe; replaces serine 38 with phenylalanine.
Molecular consequence: missense variant. On other transcripts: 5 prime UTR variant (2).
Genome position (GRCh38, 1-based): chr2:215,996,448, G>A on the plus strand (C>T on the coding strand, the complement: MREG is on the minus strand). VCF-style: chr2-215996448-G-A. GRCh37 (hg19) VCF-style: chr2-216861171-G-A.
Other names: c.113C>T, p.Ser38Phe (NM_001372188.1); c.-50C>T (NM_001372189.1, NM_001372190.1); short protein forms S38F.
Identifiers: ClinVar variation 3351809 (VCV003351809.1).